The following is an entry in ClinVar:

ClinVar aggregate classification (germline): Uncertain significance (1 of 4 stars; one submission).

Conditions:
Familial hemiplegic migraine. Identifiers: MedGen C0338484, MONDO:0000700.

Submission:

Labcorp Genetics (formerly Invitae), Labcorp
Classification: Uncertain significance for Familial hemiplegic migraine. Last evaluated: 2025-07-02. Review status: criteria provided, single submitter. Criteria: Invitae Variant Classification Sherloc (09022015). Collection method: clinical testing. Allele origin: germline.
Comment: This sequence change falls in intron 18 of the ATP1A2 gene. It does not directly change the encoded amino acid sequence of the ATP1A2 protein. It affects a nucleotide within the consensus splice site. This variant is present in population databases (rs3747626, gnomAD 0.004%). This variant has not been reported in the literature in individuals affected with ATP1A2-related conditions. Variants that disrupt the consensus splice site are a relatively common cause of aberrant splicing (PMID: 17576681, 9536098). Algorithms developed to predict the effect of sequence changes on RNA splicing suggest that this variant is not likely to affect RNA splicing. In summary, the available evidence is currently insufficient to determine the role of this variant in disease. Therefore, it has been classified as a Variant of Uncertain Significance.

Literature cited by the submitters: PubMed 17576681; PubMed 9536098.

NM_000702.4(ATP1A2):c.2563+4C>A

Gene: ATP1A2 (ATPase Na+/K+ transporting subunit alpha 2; plus strand). Cytogenetic location: 1q23.2.
Variant type: single nucleotide variant.
Coding change: c.2563+4C>A on transcript NM_000702.4 (MANE Select); 4 bases into the intron after coding-DNA position 2563, C replaced by A.
Molecular consequence: intron variant.
Genome position (GRCh38, 1-based): chr1:160,136,374, C>A. VCF-style: chr1-160136374-C-A. GRCh37 (hg19) VCF-style: chr1-160106164-C-A.
Identifiers: ClinVar variation 4773517 (VCV004773517.1).